The following is an entry in ClinVar:

NM_003070.5(SMARCA2):c.2368T>A (p.Tyr790Asn)

Gene: SMARCA2 (SWI/SNF related BAF chromatin remodeling complex subunit ATPase 2; plus strand). Cytogenetic location: 9p24.3.
Variant type: single nucleotide variant.
Coding change: c.2368T>A on transcript NM_003070.5 (MANE Select); coding-DNA position 2368, T replaced by A.
Protein change: p.Tyr790Asn; replaces tyrosine 790 with asparagine.
Molecular consequence: missense variant.
Genome position (GRCh38, 1-based): chr9:2,083,366, T>A. VCF-style: chr9-2083366-T-A. GRCh37 (hg19) VCF-style: chr9-2083366-T-A.
Other names: c.2368T>A, p.Tyr790Asn (NM_001289396.2, NM_001289397.2, NM_139045.4); short protein forms Y790N.
Identifiers: ClinVar variation 4694117 (VCV004694117.1).

ClinVar aggregate classification (germline): Uncertain significance (1 of 4 stars; one submission).

gnomAD v4.1: 2 of 1,597,952 alleles (0.00013%); highest among the groups gnomAD compares: African/African-American, 0.0027%; no homozygotes.

Submission:

Labcorp Genetics (formerly Invitae), Labcorp
Classification: Uncertain significance. Last evaluated: 2025-03-06. Review status: criteria provided, single submitter. Criteria: Invitae Variant Classification Sherloc (09022015). Collection method: clinical testing. Allele origin: germline.
Comment: This sequence change replaces tyrosine, which is neutral and polar, with asparagine, which is neutral and polar, at codon 790 of the SMARCA2 protein (p.Tyr790Asn). This variant is not present in population databases (gnomAD no frequency). This variant has not been reported in the literature in individuals affected with SMARCA2-related conditions. Invitae Evidence Modeling of protein sequence and biophysical properties (such as structural, functional, and spatial information, amino acid conservation, physicochemical variation, residue mobility, and thermodynamic stability) indicates that this missense variant is not expected to disrupt SMARCA2 protein function with a negative predictive value of 80%. In summary, the available evidence is currently insufficient to determine the role of this variant in disease. Therefore, it has been classified as a Variant of Uncertain Significance.